The following is an entry in ClinVar:

NM_001127198.5(TMC6):c.288C>T (p.Ala96=)

Gene: TMC6 (transmembrane channel like 6; minus strand). Cytogenetic location: 17q25.3.
Variant type: single nucleotide variant.
Coding change: c.288C>T on transcript NM_001127198.5 (MANE Select); coding-DNA position 288, C replaced by T.
Protein change: p.Ala96=; no amino-acid change (alanine 96 retained).
Molecular consequence: synonymous variant. On other transcripts: non-coding transcript variant (4).
Genome position (GRCh38, 1-based): chr17:78,125,868, G>A on the plus strand (C>T on the coding strand, the complement: TMC6 is on the minus strand). VCF-style: chr17-78125868-G-A. GRCh37 (hg19) VCF-style: chr17-76121949-G-A.
Other names: c.288C>T, p.Ala96= (NM_001321185.1, NM_001374593.1, NM_001374594.1 and 4 more transcripts).
Identifiers: ClinVar variation 746542 (VCV000746542.13), dbSNP rs765510635, ClinGen allele CA8796172.

ClinVar aggregate classification (germline): Likely benign. Review status: criteria provided, single submitter (1 of 4 stars). 2 submissions from 2 submitters: Likely benign (1). 1 of the submissions does not count toward it. Last evaluated 2025-11-12.

Conditions:
TMC6-related disorder. Also called: TMC6-related condition.
Epidermodysplasia verruciformis. Identifiers: Orphanet 302, MedGen C0014522, MONDO:0009176.

Allele frequency attached by ClinVar (database versions not stated): ExAC below 0.00001; TOPMed 0.00002; gnomAD exomes 0.00003 and 0.00006.
gnomAD v4.1: 14 of 1,551,102 alleles (0.0009%); highest among the groups gnomAD compares: Admixed American, 0.023%; no homozygotes.

Submissions (2):

Labcorp Genetics (formerly Invitae), Labcorp
Classification: Likely benign for Epidermodysplasia verruciformis. Last evaluated: 2025-11-12. Review status: criteria provided, single submitter. Criteria: Invitae Variant Classification Sherloc (09022015). Collection method: clinical testing. Allele origin: germline.

PreventionGenetics, part of Exact Sciences
Classification: Likely benign for TMC6-related condition. Last evaluated: 2019-06-27. Review status: no assertion criteria provided. Collection method: clinical testing. Allele origin: germline. Not counted in ClinVar's aggregate classification.
Comment: This variant is classified as likely benign based on ACMG/AMP sequence variant interpretation guidelines (Richards et al. 2015 PMID: 25741868, with internal and published modifications).